The following is an entry in ClinVar:

ClinVar aggregate classification (germline): Uncertain significance (1 of 4 stars; one submission).

Conditions:
BAP1-related tumor predisposition syndrome (TPDS1). Also called: COMMON Syndrome; TUMOR PREDISPOSITION SYNDROME 1; Tumor susceptibility linked to germline BAP1 mutations; BAP1 tumor predisposition syndrome. Identifiers: Orphanet 289539, MedGen C3280492, MONDO:0013692, OMIM 614327.

Submission:

Labcorp Genetics (formerly Invitae), Labcorp
Classification: Uncertain significance for BAP1-related tumor predisposition syndrome. Last evaluated: 2022-11-19. Review status: criteria provided, single submitter. Criteria: Invitae Variant Classification Sherloc (09022015). Collection method: clinical testing. Allele origin: germline.
Comment: In summary, the available evidence is currently insufficient to determine the role of this variant in disease. Therefore, it has been classified as a Variant of Uncertain Significance. Algorithms developed to predict the effect of missense changes on protein structure and function are either unavailable or do not agree on the potential impact of this missense change (SIFT: "Deleterious"; PolyPhen-2: "Possibly Damaging"; Align-GVGD: "Class C0"). This variant has not been reported in the literature in individuals affected with BAP1-related conditions. This variant is not present in population databases (gnomAD no frequency). This sequence change replaces glycine, which is neutral and non-polar, with cysteine, which is neutral and slightly polar, at codon 578 of the BAP1 protein (p.Gly578Cys).

NM_004656.4(BAP1):c.1732G>T (p.Gly578Cys)

Gene: BAP1 (BRCA1 associated deubiquitinase 1; minus strand). Cytogenetic location: 3p21.1.
Variant type: single nucleotide variant.
Coding change: c.1732G>T on transcript NM_004656.4 (MANE Select); coding-DNA position 1732, G replaced by T.
Protein change: p.Gly578Cys; replaces glycine 578 with cysteine.
Molecular consequence: missense variant.
Genome position (GRCh38, 1-based): chr3:52,403,296, C>A on the plus strand (G>T on the coding strand, the complement: BAP1 is on the minus strand). VCF-style: chr3-52403296-C-A. GRCh37 (hg19) VCF-style: chr3-52437312-C-A.
Other names: c.1678G>T, p.Gly560Cys (NM_001410772.1); short protein forms G560C, G578C.
Identifiers: ClinVar variation 3004970 (VCV003004970.3), dbSNP rs1559586163, ClinGen allele CA353099359.